The following is an entry in ClinVar:

ClinVar aggregate classification (germline): Uncertain significance. Review status: criteria provided, multiple submitters, no conflicts (2 of 4 stars). 2 submissions from 2 submitters: Uncertain significance (2). Last evaluated 2022-08-03.

Conditions:
Cardiovascular phenotype. Identifiers: MedGen CN230736.

Submissions (2):

GeneDx
Classification: Uncertain significance. Last evaluated: 2022-08-03. Review status: criteria provided, single submitter. Criteria: GeneDx Variant Classification Process June 2021. Collection method: clinical testing. Allele origin: germline. Affected: yes.
Comment: Not observed at significant frequency in large population cohorts (gnomAD); In silico analysis supports that this missense variant does not alter protein structure/function; Has not been previously published as pathogenic or benign to our knowledge

Ambry Genetics
Classification: Uncertain significance for Cardiovascular phenotype. Last evaluated: 2020-01-15. Review status: criteria provided, single submitter. Criteria: Ambry Variant Classification Scheme 2023. Collection method: clinical testing. Allele origin: germline.
Comment: The p.T41I variant (also known as c.122C>T), located in coding exon 1 of the VCL gene, results from a C to T substitution at nucleotide position 122. The threonine at codon 41 is replaced by isoleucine, an amino acid with similar properties. This amino acid position is highly conserved in available vertebrate species. In addition, this alteration is predicted to be tolerated by in silico analysis. Since supporting evidence is limited at this time, the clinical significance of this alteration remains unclear.

NM_014000.3(VCL):c.122C>T (p.Thr41Ile)

Genes: VCL (vinculin; plus strand), LOC130004109 (ATAC-STARR-seq lymphoblastoid active region 3587; plus strand). Cytogenetic location: 10q22.2.
Variant type: single nucleotide variant.
Coding change: c.122C>T on transcript NM_014000.3 (MANE Select); coding-DNA position 122, C replaced by T.
Protein change: p.Thr41Ile; replaces threonine 41 with isoleucine.
Molecular consequence: missense variant.
Genome position (GRCh38, 1-based): chr10:73,998,329, C>T. VCF-style: chr10-73998329-C-T. GRCh37 (hg19) VCF-style: chr10-75758087-C-T.
Other names: c.122C>T, p.Thr41Ile (NM_003373.4); short protein forms T41I.
Identifiers: ClinVar variation 1755187 (VCV001755187.4), dbSNP rs1425074543, ClinGen allele CA377255307.
Genomic context (GRCh38, chr10:73,998,329, plus strand): 5'-CCCACCTGGTGATAATGCACGAGGAGGGCGAGGTGGACGGCAAAGCCATTCCTGACCTCA[C>T]CGCGCCCGTGGCCGCCGTGCAGGCGGCCGTCAGCAACCTCGTCCGGGTGAGCGCGCAGGG-3'
Protein context (NP_054706.1, residues 31-51): EVDGKAIPDL[Thr41Ile]APVAAVQAAV